The following is an entry in ClinVar:

ClinVar aggregate classification (germline): Uncertain significance. Review status: criteria provided, multiple submitters, no conflicts (2 of 4 stars). 3 submissions from 3 submitters: Uncertain significance (3). Last evaluated 2026-01-10.

Conditions:
Arrhythmogenic right ventricular cardiomyopathy (ARVD). Also called: Arrhythmogenic right ventricular dysplasia; Cardiomyopathy, ARVC; Arrhythmogenic cardiomyopathy; Arrhythmogenic Right Ventricular Cardiomyopathy (ARVC). Identifiers: Orphanet 247, MedGen C0349788, MeSH D019571, MONDO:0016587. Disease mechanism: loss of function. Inheritance: Various modes of inheritance.
Cardiovascular phenotype. Identifiers: MedGen CN230736.
Arrhythmogenic right ventricular dysplasia 10. Also called: ARRHYTHMOGENIC RIGHT VENTRICULAR DYSPLASIA, FAMILIAL, 10; Arrhythmogenic Right Ventricular Dysplasia/Cardiomyopathy10; Arrhythmogenic right ventricular dysplasia/cardiomyopathy, type 10. Identifiers: MedGen C1857777, MONDO:0012434, OMIM 610193.

Submissions (3):

Labcorp Genetics (formerly Invitae), Labcorp
Classification: Uncertain significance for Arrhythmogenic right ventricular dysplasia 10. Last evaluated: 2026-01-10. Review status: criteria provided, single submitter. Criteria: Invitae Variant Classification Sherloc (09022015). Collection method: clinical testing. Allele origin: germline.
Comment: This variant, c.2227_2232del, results in the deletion of 2 amino acid(s) of the DSG2 protein (p.Glu743_Thr744del), but otherwise preserves the integrity of the reading frame. This variant is not present in population databases (gnomAD no frequency). This variant has not been reported in the literature in individuals affected with DSG2-related conditions. ClinVar contains an entry for this variant (Variation ID: 3386598). Experimental studies and prediction algorithms are not available or were not evaluated, and the functional significance of this variant is currently unknown. In summary, the available evidence is currently insufficient to determine the role of this variant in disease. Therefore, it has been classified as a Variant of Uncertain Significance.

Ambry Genetics
Classification: Uncertain significance for Cardiovascular phenotype. Last evaluated: 2025-11-20. Review status: criteria provided, single submitter. Criteria: Ambry Variant Classification Scheme 2023. Collection method: clinical testing. Allele origin: germline.
Comment: The c.2227_2232delGAAACC variant (also known as p.E743_T744del), located in coding exon 14 of the DSG2 gene, results from an in-frame GAAACC deletion at nucleotide positions 2227 to 2232. This results in the in-frame deletion of two amino acids at codons 743 and 744. This amino acid region is not well conserved in available vertebrate species. In addition, this variant is predicted to be neutral by in silico analysis (Choi Y et al. PLoS ONE. 2012; 7(10):e46688). Based on the available evidence, the clinical significance of this variant remains unclear.

All of Us Research Program, National Institutes of Health
Classification: Uncertain significance for Arrhythmogenic right ventricular cardiomyopathy. Last evaluated: 2024-05-30. Review status: criteria provided, single submitter. Criteria: ACMG Guidelines, 2015. Collection method: clinical testing. Allele origin: germline. Inheritance: Autosomal dominant inheritance. Observed: 1 variant allele, 1 heterozygote.
Comment: This variant causes an in-frame deletion of two amino acids in the DSG2 protein. To our knowledge, functional studies have not been reported for this variant. This variant has not been reported in individuals affected with DSG2-related disorders in the literature. This variant has not been identified in the general population by the Genome Aggregation Database (gnomAD). The available evidence is insufficient to determine the role of this variant in disease conclusively. Therefore, this variant is classified as a Variant of Uncertain Significance.

This study involves interpretation of variants in research participants for the purpose of population health screening. Participant phenotype was not available at the time of variant classification. Additional details can be found in publication PMID: 35346344, PMCID: PMC8962531

NM_001943.5(DSG2):c.2227_2232del (p.Glu743_Thr744del)

Genes: DSG2-AS1 (DSG2 antisense RNA 1; minus strand), DSG2 (desmoglein 2; plus strand). Cytogenetic location: 18q12.1.
Variant type: Deletion.
Coding change: c.2227_2232del on transcript NM_001943.5 (MANE Select); coding-DNA positions 2227 to 2232, 6 bases deleted (GAAACC; older notation c.2227_2232delGAAACC).
Protein change: p.Glu743_Thr744del.
Genome position (GRCh38, 1-based): chr18:31,542,745-31,542,750, GAAACC deleted. VCF-style (leftmost placement, unchanged base first): chr18-31542744-TGAAACC-T. GRCh37 (hg19) VCF-style: chr18-29122707-TGAAACC-T.
Identifiers: ClinVar variation 3386598 (VCV003386598.3).